The following is an entry in ClinVar:

ClinVar aggregate classification (germline): Uncertain significance. Review status: criteria provided, multiple submitters, no conflicts (2 of 4 stars). 2 submissions from 2 submitters: Uncertain significance (2). Last evaluated 2025-12-15.

Conditions:
Inborn genetic diseases. Identifiers: MedGen C0950123, MeSH D030342.

Allele frequency attached by ClinVar (database versions not stated): ExAC 0.00002; gnomAD exomes 0.00003 and 0.00004; TOPMed 0.00010; gnomAD 0.00011 and 0.00014; ESP Exome Variant Server 0.00015.
gnomAD v4.1: 68 of 1,613,936 alleles (0.0042%); highest among the groups gnomAD compares: Middle Eastern, 0.049%; no homozygotes.

Submissions (2):

Ambry Genetics
Classification: Uncertain significance for Inborn genetic diseases. Last evaluated: 2025-12-15. Review status: criteria provided, single submitter. Criteria: Ambry Variant Classification Scheme 2023. Collection method: clinical testing. Allele origin: germline.

Labcorp Genetics (formerly Invitae), Labcorp
Classification: Uncertain significance. Last evaluated: 2022-07-09. Review status: criteria provided, single submitter. Criteria: Invitae Variant Classification Sherloc (09022015). Collection method: clinical testing. Allele origin: germline.
Comment: This sequence change replaces valine, which is neutral and non-polar, with isoleucine, which is neutral and non-polar, at codon 133 of the TANGO2 protein (p.Val133Ile). This variant is present in population databases (rs145876553, gnomAD 0.02%). This variant has not been reported in the literature in individuals affected with TANGO2-related conditions. ClinVar contains an entry for this variant (Variation ID: 1355134). Algorithms developed to predict the effect of missense changes on protein structure and function output the following: SIFT: "Not Available"; PolyPhen-2: "Benign"; Align-GVGD: "Not Available". The isoleucine amino acid residue is found in multiple mammalian species, which suggests that this missense change does not adversely affect protein function. In summary, the available evidence is currently insufficient to determine the role of this variant in disease. Therefore, it has been classified as a Variant of Uncertain Significance.

NM_152906.7(TANGO2):c.397G>A (p.Val133Ile)

Gene: TANGO2 (transport and golgi organization 2 homolog; plus strand). Cytogenetic location: 22q11.21.
Variant type: single nucleotide variant.
Coding change: c.397G>A on transcript NM_152906.7 (MANE Select); coding-DNA position 397, G replaced by A.
Protein change: p.Val133Ile; replaces valine 133 with isoleucine.
Molecular consequence: missense variant. On other transcripts: non-coding transcript variant (4), intron variant (11).
Genome position (GRCh38, 1-based): chr22:20,055,959, G>A. VCF-style: chr22-20055959-G-A. GRCh37 (hg19) VCF-style: chr22-20043482-G-A.
Other names: c.397G>A, p.Val133Ile (NM_001283106.3, NM_001283116.3, NM_001283148.3 and 2 more transcripts); c.520G>A, p.Val174Ile (NM_001283129.3, NM_001283215.3, NM_001322141.2 and 2 more transcripts); c.103G>A, p.Val35Ile (NM_001283235.3, NM_001322150.2, NM_001322153.2 and 6 more transcripts); c.295G>A, p.Val99Ile (NM_001322146.2, NM_001322148.2, NM_001322160.2); c.265+3375G>A (NM_001322163.2, NM_001283179.3, NM_001322167.2 and 4 more transcripts); c.388+3375G>A (NM_001322145.2, NM_001322147.2); c.380+2408G>A (NM_001283199.3); c.503+2408G>A (NM_001322149.2); and 1 more; short protein forms V133I, V174I, V35I, V99I.
Identifiers: ClinVar variation 1355134 (VCV001355134.5), dbSNP rs145876553, ClinGen allele CA10106346.
Genomic context (GRCh38, chr22:20,055,959, plus strand): 5'-CGCCCTATGGCTGTAGTCTGACATTCTCTCCCCTTGGCCTGCAGCACAGCAAAGGGAGAC[G>A]TCATTTGCTACTATGGGAACCGAGGGGAGCCTGATCCTATCGTTTTGACGCCAGGTGAGC-3'
Protein context (NP_690870.3, residues 123-143): AADLSTAKGD[Val133Ile]ICYYGNRGEP